The following is an entry in ClinVar:

NM_000284.4(PDHA1):c.832-211A>G

Gene: PDHA1 (pyruvate dehydrogenase E1 subunit alpha 1; plus strand). Cytogenetic location: Xp22.12.
Variant type: single nucleotide variant.
Coding change: c.832-211A>G on transcript NM_000284.4 (MANE Select); 211 bases into the intron before coding-DNA position 832, A replaced by G.
Molecular consequence: intron variant.
Genome position (GRCh38, 1-based): chrX:19,357,441, A>G. VCF-style: chrX-19357441-A-G. GRCh37 (hg19) VCF-style: chrX-19375559-A-G.
Other names: c.946-211A>G (NM_001173454.2); c.853-211A>G (NM_001173455.2); c.739-211A>G (NM_001173456.2).
Identifiers: ClinVar variation 673748 (VCV000673748.2), dbSNP rs7885618, ClinGen allele CA327029236.

ClinVar aggregate classification (germline): Benign. Review status: criteria provided, multiple submitters, no conflicts (2 of 4 stars). 2 submissions from 2 submitters: Benign (2). Last evaluated 2018-06-16.

Allele frequency attached by ClinVar (database versions not stated): gnomAD exomes 0.00657; gnomAD 0.04418 and 0.04727; 1000 Genomes Project 0.04530; 1000 Genomes Project 30x 0.04537; TOPMed 0.05094.
gnomAD v4.1: 7,300 of 452,141 alleles (1.6%); highest among the groups gnomAD compares: African/African-American, 15%; 360 homozygotes.

Submissions (2):

GeneDx
Classification: Benign. Last evaluated: 2018-06-16. Review status: criteria provided, single submitter. Criteria: GeneDx Variant Classification (06012015). Collection method: clinical testing. Allele origin: germline. Affected: yes.
Comment: This variant is considered likely benign or benign based on one or more of the following criteria: it is a conservative change, it occurs at a poorly conserved position in the protein, it is predicted to be benign by multiple in silico algorithms, and/or has population frequency not consistent with disease.

Breakthrough Genomics
Classification: Benign. Review status: criteria provided, single submitter. Criteria: ACMG Guidelines, 2015. Collection method: not provided. Allele origin: germline. Inheritance: X-linked inheritance. Affected: yes.